The following is an entry in ClinVar:

NM_004360.5(CDH1):c.580G>A (p.Gly194Ser)

Gene: CDH1 (cadherin 1; plus strand). Cytogenetic location: 16q22.1.
Variant type: single nucleotide variant.
Coding change: c.580G>A on transcript NM_004360.5 (MANE Select); coding-DNA position 580, G replaced by A.
Protein change: p.Gly194Ser; replaces glycine 194 with serine.
Molecular consequence: missense variant. On other transcripts: 5 prime UTR variant (2).
Genome position (GRCh38, 1-based): chr16:68,808,741, G>A. VCF-style: chr16-68808741-G-A. GRCh37 (hg19) VCF-style: chr16-68842644-G-A.
Other names: c.580G>A, p.Gly194Ser (NM_001317184.2); c.-1036G>A (NM_001317185.2); c.-1240G>A (NM_001317186.2); short protein forms G194S.
Identifiers: ClinVar variation 2876857 (VCV002876857.3), dbSNP rs1960737674, ClinGen allele CA396457946.
Genomic context (GRCh38, chr16:68,808,741, plus strand): 5'-TTTTGTCTTCAGATCAAATCCAACAAAGACAAAGAAGGCAAGGTTTTCTACAGCATCACT[G>A]GCCAAGGAGCTGACACACCCCCTGTTGGTGTCTTTATTATTGAAAGAGAAACAGGATGGC-3'
Protein context (NP_004351.1, residues 184-204): KEGKVFYSIT[Gly194Ser]QGADTPPVGV

ClinVar aggregate classification (germline): Uncertain significance (1 of 4 stars; one submission).

Conditions:
Hereditary diffuse gastric adenocarcinoma (HDGC). Also called: DIFFUSE GASTRIC AND LOBULAR BREAST CANCER SYNDROME. Identifiers: Orphanet 26106, MedGen C1708349, MONDO:0007648, OMIM 137215.

Submission:

Labcorp Genetics (formerly Invitae), Labcorp
Classification: Uncertain significance for Hereditary diffuse gastric adenocarcinoma. Last evaluated: 2022-12-07. Review status: criteria provided, single submitter. Criteria: Invitae Variant Classification Sherloc (09022015). Collection method: clinical testing. Allele origin: germline.
Comment: In summary, the available evidence is currently insufficient to determine the role of this variant in disease. Therefore, it has been classified as a Variant of Uncertain Significance. Algorithms developed to predict the effect of missense changes on protein structure and function (SIFT, PolyPhen-2, Align-GVGD) all suggest that this variant is likely to be disruptive. This variant has not been reported in the literature in individuals affected with CDH1-related conditions. This variant is not present in population databases (gnomAD no frequency). This sequence change replaces glycine, which is neutral and non-polar, with serine, which is neutral and polar, at codon 194 of the CDH1 protein (p.Gly194Ser).